The following is an entry in ClinVar:

ClinVar aggregate classification (germline): Uncertain significance. Review status: criteria provided, multiple submitters, no conflicts (2 of 4 stars). 2 submissions from 2 submitters: Uncertain significance (2). Last evaluated 2025-08-22.

Conditions:
Cardiovascular phenotype. Identifiers: MedGen CN230736.

Allele frequency attached by ClinVar (database versions not stated): ExAC 0.00001; gnomAD 0.00001; gnomAD exomes 0.00002; TOPMed 0.00003.

Submissions (2):

Ambry Genetics
Classification: Uncertain significance for Cardiovascular phenotype. Last evaluated: 2025-08-22. Review status: criteria provided, single submitter. Criteria: Ambry Variant Classification Scheme 2023. Collection method: clinical testing. Allele origin: germline.

GeneDx
Classification: Uncertain significance. Last evaluated: 2022-12-05. Review status: criteria provided, single submitter. Criteria: GeneDx Variant Classification Process June 2021. Collection method: clinical testing. Allele origin: germline. Affected: yes.
Comment: Not observed at significant frequency in large population cohorts (gnomAD); In silico analysis supports that this missense variant has a deleterious effect on protein structure/function; Has not been previously published as pathogenic or benign to our knowledge

NM_006514.4(SCN10A):c.5227A>G (p.Met1743Val)

Gene: SCN10A (sodium voltage-gated channel alpha subunit 10; minus strand). Cytogenetic location: 3p22.2.
Variant type: single nucleotide variant.
Coding change: c.5227A>G on transcript NM_006514.4 (MANE Select); coding-DNA position 5227, A replaced by G.
Protein change: p.Met1743Val; replaces methionine 1743 with valine.
Molecular consequence: missense variant.
Genome position (GRCh38, 1-based): chr3:38,697,993, T>C on the plus strand (A>G on the coding strand, the complement: SCN10A is on the minus strand). VCF-style: chr3-38697993-T-C. GRCh37 (hg19) VCF-style: chr3-38739484-T-C.
Other names: c.5224A>G, p.Met1742Val (NM_001293306.2); c.4933A>G, p.Met1645Val (NM_001293307.2); short protein forms M1645V, M1742V, M1743V.
Identifiers: ClinVar variation 2504388 (VCV002504388.3), dbSNP rs775982060, ClinGen allele CA2319717.